The following is an entry in ClinVar:

NM_145239.3(PRRT2):c.880-34G>A

Genes: MVP-DT (MVP divergent transcript; minus strand), PRRT2 (proline rich transmembrane protein 2; plus strand). Cytogenetic location: 16p11.2.
Variant type: single nucleotide variant.
Coding change: c.880-34G>A on transcript NM_145239.3 (MANE Select); 34 bases into the intron before coding-DNA position 880, G replaced by A.
Molecular consequence: intron variant. On other transcripts: 3 prime UTR variant (1).
Genome position (GRCh38, 1-based): chr16:29,814,299, G>A. VCF-style: chr16-29814299-G-A. GRCh37 (hg19) VCF-style: chr16-29825620-G-A.
Other names: c.*345G>A (NM_001256443.2); c.880-34G>A (NM_001256442.2, NM_145239.2).
Identifiers: ClinVar variation 932548 (VCV000932548.48), dbSNP rs1239450803, ClinGen allele CA719790706.

ClinVar aggregate classification (germline): Pathogenic/Likely pathogenic. Review status: criteria provided, multiple submitters, no conflicts (2 of 4 stars). 6 submissions from 6 submitters: Pathogenic (5); Likely pathogenic (1). Last evaluated 2025-12-04.

Conditions:
Inborn genetic diseases. Identifiers: MedGen C0950123, MeSH D030342.
Episodic kinesigenic dyskinesia 1 (EKD1). Also called: Dystonia 10; DYSTONIA, FAMILIAL PAROXYSMAL; PAROXYSMAL KINESIGENIC CHOREOATHETOSIS; PxMD-PRRT2; PRRT2-Related Paroxysmal Kinesigenic Dyskinesia (PKD). Identifiers: Orphanet 98809, MedGen C4552000, MONDO:0100352, OMIM 128200, MONDO:0007494.
Infantile convulsions and choreoathetosis (ICCA). Also called: PAROXYSMAL KINESIGENIC DYSKINESIA WITH INFANTILE CONVULSIONS; PRRT2-Related Paroxysmal Kinesigenic Dyskinesia with Infantile Convulsions (PKD/IC). Identifiers: Orphanet 31709, MedGen C1865926, MONDO:0011178, OMIM 602066.
Episodic kinesigenic dyskinesia (EKD). Also called: Paroxysmal kinesigenic dyskinesia. Identifiers: Orphanet 98809, MedGen C1868682, MONDO:0044202.
Seizures, benign familial infantile, 2 (BFIS2). Also called: CONVULSIONS, BENIGN FAMILIAL INFANTILE, 2. Identifiers: Orphanet 306, MedGen C1853995, MONDO:0011593, OMIM 605751.

Allele frequency attached by ClinVar (database versions not stated): gnomAD 0.00001; TOPMed 0.00002.

Submissions (6):

GeneDx
Classification: Pathogenic. Last evaluated: 2025-12-04. Review status: criteria provided, single submitter. Criteria: GeneDx Variant Classification Process June 2021. Collection method: clinical testing. Allele origin: germline. Affected: yes.
Comment: Also reported as heterozygous in a child with infantile convulsions and paroxysmal kinesigenic dyskinesia; this variant was maternally inherited from a mother with early onset generalized paroxysmal dystonia (PMID: 26936445); RT-PCR studies from RNA extracted from the affected child suggest that this variant results in aberrant splicing (PMID: 26936445); In silico analysis supports a deleterious effect on splicing; Not observed at significant frequency in large population cohorts (gnomAD); This variant is associated with the following publications: (PMID: Saleh2022[casereport], 26936445)

Ambry Genetics
Classification: Pathogenic for Inborn genetic diseases. Last evaluated: 2025-06-09. Review status: criteria provided, single submitter. Criteria: Ambry Variant Classification Scheme 2023. Collection method: clinical testing. Allele origin: germline.
Comment: The c.880-34G>A intronic alteration results from a G to A substitution 34 nucleotides before exon 3 (coding exon 2) of the PRRT2 gene. This variant was not reported in population-based cohorts in the Genome Aggregation Database (gnomAD). This variant was reported in individual(s) with features consistent with PRRT2-related paroxysmal movement disorders (Weber, 2016; Saleh, 2022; external communication). This nucleotide position is well conserved in available vertebrate species. RNA studies have demonstrated that this alteration results in abnormal splicing in the set of samples tested (Weber, 2016). In silico splice site analysis predicts that this alteration will result in the creation or strengthening of a novel splice acceptor site. Based on the available evidence, this alteration is classified as pathogenic.

Labcorp Genetics (formerly Invitae), Labcorp
Classification: Pathogenic for Episodic kinesigenic dyskinesia. Last evaluated: 2025-02-11. Review status: criteria provided, single submitter. Criteria: Invitae Variant Classification Sherloc (09022015). Collection method: clinical testing. Allele origin: germline.
Comment: This sequence change falls in intron 2 of the PRRT2 gene. It does not directly change the encoded amino acid sequence of the PRRT2 protein. RNA analysis indicates that this variant induces altered splicing and may result in an absent or altered protein product. This variant is not present in population databases (gnomAD no frequency). This variant has been observed in individuals with PRRT2-related conditions (PMID: 26935445; internal data). It has also been observed to segregate with disease in related individuals. ClinVar contains an entry for this variant (Variation ID: 932548). Studies have shown that this variant results in activation of a cryptic splice site, and produces a non-functional protein and/or introduces a premature termination codon (PMID: 26935445). For these reasons, this variant has been classified as Pathogenic.

3billion
Classification: Likely pathogenic for Episodic kinesigenic dyskinesia 1; Infantile convulsions and choreoathetosis. Last evaluated: 2024-07-30. Review status: criteria provided, single submitter. Criteria: ACMG Guidelines, 2015. Collection method: clinical testing. Allele origin: germline. Affected: yes.
Comment: The variant is observed at an extremely low frequency in the gnomAD v4.0.0 dataset (total allele frequency: <0.001%). Intron variant - previously reported to result in an inframe insertion (PMID: 26936445). In silico tools predict the variant to alter splicing and produce an abnormal transcript [SpliceAI: 0.68 (spliceogenicity >=0.2)]. The variant has been observed in at least two similarly affected unrelated individuals (PMID: 26936445 / 3billion dataset ). The variant has been reported at least twice as pathogenic (ClinVar ID: VCV000932548 / PMID: 26936445). Therefore, this variant is classified as likely pathogenic according to the recommendation of ACMG/AMP guideline.

Baylor Genetics
Classification: Pathogenic for Seizures, benign familial infantile, 2. Last evaluated: 2023-08-30. Review status: criteria provided, single submitter. Criteria: ACMG Guidelines, 2015. Collection method: clinical testing. Allele origin: unknown.

CeGaT Center for Human Genetics Tuebingen
Classification: Pathogenic. Last evaluated: 2020-06-01. Review status: criteria provided, single submitter. Criteria: CeGaT Center For Human Genetics Tuebingen Variant Classification Criteria Version 2. Collection method: clinical testing. Allele origin: germline. Affected: yes. Observed: 1 variant allele.

Literature cited by the submitters: PubMed 26936445 (cited by Ambry Genetics); PubMed 26935445 (cited by Labcorp Genetics (formerly Invitae), Labcorp).